The following is an entry in ClinVar:

ClinVar aggregate classification (germline): Conflicting classifications of pathogenicity. Review status: criteria provided, conflicting classifications (1 of 4 stars). 2 submissions from 2 submitters: Uncertain significance (1); Likely benign (1). Last evaluated 2025-09-08.

Conditions:
Inborn genetic diseases. Identifiers: MedGen C0950123, MeSH D030342.

Allele frequency attached by ClinVar (database versions not stated): ExAC 0.00002; gnomAD 0.00003.
gnomAD v4.1: 46 of 1,613,654 alleles (0.0029%); highest among the groups gnomAD compares: Non-Finnish European, 0.0039%; no homozygotes.

Submissions (2):

Labcorp Genetics (formerly Invitae), Labcorp
Classification: Uncertain significance. Last evaluated: 2025-09-08. Review status: criteria provided, single submitter. Criteria: Invitae Variant Classification Sherloc (09022015). Collection method: clinical testing. Allele origin: germline.
Comment: This sequence change replaces threonine, which is neutral and polar, with alanine, which is neutral and non-polar, at codon 2684 of the SRCAP protein (p.Thr2684Ala). This variant is present in population databases (rs201528777, gnomAD 0.003%). This variant has not been reported in the literature in individuals affected with SRCAP-related conditions. ClinVar contains an entry for this variant (Variation ID: 2140107). Invitae Evidence Modeling of protein sequence and biophysical properties (such as structural, functional, and spatial information, amino acid conservation, physicochemical variation, residue mobility, and thermodynamic stability) indicates that this missense variant is not expected to disrupt SRCAP protein function with a negative predictive value of 80%. In summary, the available evidence is currently insufficient to determine the role of this variant in disease. Therefore, it has been classified as a Variant of Uncertain Significance.

Ambry Genetics
Classification: Likely benign for Inborn genetic diseases. Last evaluated: 2021-08-13. Review status: criteria provided, single submitter. Criteria: Ambry Variant Classification Scheme 2023. Collection method: clinical testing. Allele origin: germline.

NM_006662.3(SRCAP):c.8050A>G (p.Thr2684Ala)

Gene: SRCAP (Snf2 related CREBBP activator protein; plus strand). Cytogenetic location: 16p11.2.
Variant type: single nucleotide variant.
Coding change: c.8050A>G on transcript NM_006662.3 (MANE Select); coding-DNA position 8050, A replaced by G.
Protein change: p.Thr2684Ala; replaces threonine 2684 with alanine.
Molecular consequence: missense variant.
Genome position (GRCh38, 1-based): chr16:30,738,090, A>G. VCF-style: chr16-30738090-A-G. GRCh37 (hg19) VCF-style: chr16-30749411-A-G.
Other names: c.8050A>G (NM_006662.2); short protein forms T2684A.
Identifiers: ClinVar variation 2140107 (VCV002140107.5), dbSNP rs201528777, ClinGen allele CA8012604.
Genomic context (GRCh38, chr16:30,738,090, plus strand): 5'-CTTCAGGAGCCACTGGAGGCTGACAGGACCTCGGAAGAGCTGACAGAGGCCAAGACCCCA[A>G]CCTCCAGCCCAGAGAAGCCACAGGAACTCGTTACAGCTGAGGTTGCAGCTCCATCCACCT-3'
Protein context (NP_006653.2, residues 2674-2694): SEELTEAKTP[Thr2684Ala]SSPEKPQELV